The following is an entry in ClinVar:

ClinVar aggregate classification (germline): Likely benign. Review status: reviewed by expert panel (3 of 4 stars). 5 submissions from 5 submitters: Likely benign (1). 4 of the submissions do not count toward it. Last evaluated 2025-11-07.

Conditions:
Thrombophilia, X-linked, due to factor 8 defect. Also called: THROMBOPHILIA, X-LINKED, DUE TO FACTOR VIII DEFECT; Thrombophilia 13, X-linked, due to factor VIII defect. Identifiers: MedGen C5676879, MONDO:0859082, OMIM 301071.
Hereditary factor VIII deficiency disease (HEMA). Also called: HEMOPHILIA, CLASSIC; Hemophilia A; Hemophilia A, congenital; HEM A; Factor 8 deficiency, congenital; AUTOSOMAL HEMOPHILIA A. Identifiers: Orphanet 98878, MedGen C0019069, MONDO:0010602, OMIM 306700.

Allele frequency attached by ClinVar (database versions not stated): gnomAD 0.00005.
gnomAD v4.1: 49 of 1,208,566 alleles (0.0041%); highest among the groups gnomAD compares: Non-Finnish European, 0.0021%; no homozygotes.

Submissions (5):

ClinGen Coagulation Factor Deficiency Variant Curation Expert Panel, Clingen
Classification: Likely benign for Hereditary factor VIII deficiency disease. Last evaluated: 2025-11-07. Review status: reviewed by expert panel. Criteria: ClinGen CoagFactor ACMG Specifications F8 V1.0.0. Collection method: curation. Allele origin: germline. Inheritance: X-linked inheritance.
Comment: The NM_000132.4(F8):c.121G>T (p.Gly41Cys) variant is reported at an MAF of 0.0001272 (26/204446 alleles) in the general population in gnomAD v2.1.1, with 9 hemizygotes, meeting BS1 criteria (MAF > 0.0000333). The variant has been observed in multiple patients in the literature with mild to severe hemophilia A (PMID:19473423, PMID:23020595, PMID:33477601); however, the variant meets BS1 criteria so clinical cases are not applied. Additionally, it was unclear that intron inversion testing was completed in the severe cases. In summary, this variant meets criteria to be classified as benign for hemophilia A. ACMG/AMP criteria applied, as specified by the Coagulation Factor Deficiency Variant Curation Expert Panel (specifications version 1.0.0) for F8: BS1 and BS2.

Women's Health and Genetics/Laboratory Corporation of America, LabCorp
Classification: Uncertain significance. Last evaluated: 2025-04-08. Review status: criteria provided, single submitter. Criteria: LabCorp Variant Classification Summary - May 2015. Collection method: clinical testing. Allele origin: germline. Not counted in ClinVar's aggregate classification.
Comment: Variant summary: F8 c.121G>T (p.Gly41Cys) results in a non-conservative amino acid change in the encoded protein sequence. Three of five in-silico tools predict a damaging effect of the variant on protein function. The variant allele was found at a frequency of 0.00011 in 182769 control chromosomes, including 9 hemizygotes. This frequency is not significantly higher than estimated for a pathogenic variant in F8 causing Factor VIII Deficiency (Hemophilia A) (0.00011 vs 0.0098), allowing no conclusion about variant significance. c.121G>T has been reported in the literature in individuals with Factor VIII Deficiency (Hemophilia A) with variable severity, ranging from mild to severe (example: Preisler_2021, Hallden_2012, Tuddenham_1994). It has also been reported in at-least one individual with repeat normal FVIII levels (example: Andersson_2020). These data indicate that the variant may be associated with disease. To our knowledge, no experimental evidence demonstrating an impact on protein function has been reported. The following publications have been ascertained in the context of this evaluation (PMID: 32100410, 23020595, 33477601, 7984443). ClinVar contains an entry for this variant (Variation ID: 10156). Based on the evidence outlined above, the variant was classified as VUS-possibly pathogenic.

Myriad Genetics, Inc.
Classification: Likely pathogenic for Hereditary factor VIII deficiency disease. Last evaluated: 2025-02-26. Review status: criteria provided, single submitter. Criteria: Myriad Autosomal Dominant, Autosomal Recessive and X-Linked Classification Criteria (2023). Collection method: clinical testing. Allele origin: unknown. Not counted in ClinVar's aggregate classification.
Comment: NM_000132.3(F8):c.121G>T(G41C) is a missense variant classified as likely pathogenic in the context of hemophilia A. G41C has been observed in cases with relevant disease (PMID: 7728145, 19473423). Relevant functional assessments of this variant are not available in the literature. G41C has been observed in referenced population frequency databases. In summary, NM_000132.3(F8):c.121G>T(G41C) is a missense variant that has been observed more frequently in cases with the relevant disease than in healthy populations. Please note: this variant was assessed in the context of healthy population screening.

Mendelics
Classification: Pathogenic for Thrombophilia, X-linked, due to factor 8 defect. Last evaluated: 2022-05-04. Review status: criteria provided, single submitter. Criteria: Mendelics Assertion Criteria 2019. Collection method: clinical testing. Allele origin: germline. Not counted in ClinVar's aggregate classification.

OMIM
Classification: Pathogenic for HEMOPHILIA A. Last evaluated: 1995-01-01. Review status: no assertion criteria provided. Collection method: literature only. Allele origin: germline. Not counted in ClinVar's aggregate classification.

Literature cited by the submitters: PubMed 33477601 (cited by Women's Health and Genetics/Laboratory Corporation of America, LabCorp); PubMed 7984443 (cited by Women's Health and Genetics/Laboratory Corporation of America, LabCorp); PubMed 32100410 (cited by Women's Health and Genetics/Laboratory Corporation of America, LabCorp); PubMed 23020595 (cited by Women's Health and Genetics/Laboratory Corporation of America, LabCorp); PubMed 19473423 (cited by Myriad Genetics, Inc.); PubMed 7728145 (cited by Myriad Genetics, Inc. and OMIM).

NM_000132.4(F8):c.121G>T (p.Gly41Cys)

Gene: F8 (coagulation factor VIII; minus strand). Cytogenetic location: Xq28.
Variant type: single nucleotide variant.
Coding change: c.121G>T on transcript NM_000132.4 (MANE Select); coding-DNA position 121, G replaced by T.
Protein change: p.Gly41Cys; replaces glycine 41 with cysteine.
Molecular consequence: missense variant.
Genome position (GRCh38, 1-based): chrX:155,022,432, C>A on the plus strand (G>T on the coding strand, the complement: F8 is on the minus strand). VCF-style: chrX-155022432-C-A. GRCh37 (hg19) VCF-style: chrX-154250707-C-A.
Other names: F8, GLY22CYS; G22C; NM_000132.4(F8):c.121G>T; short protein forms G41C.
Identifiers: ClinVar variation 10156 (VCV000010156.5), dbSNP rs137852379, ClinGen allele CA255048.